The following is an entry in ClinVar:

ClinVar aggregate classification (germline): Uncertain significance. Review status: criteria provided, single submitter (1 of 4 stars). 2 submissions from 2 submitters: Uncertain significance (1). 1 of the submissions does not count toward it. Last evaluated 2024-08-12.

Conditions:
Charcot-Marie-Tooth disease type 2. Also called: Charcot-Marie-Tooth type 2. Identifiers: Orphanet 64746, MedGen C0270914, MONDO:0018993.

Allele frequency attached by ClinVar (database versions not stated): ExAC 0.00004.

Submissions (2):

Labcorp Genetics (formerly Invitae), Labcorp
Classification: Uncertain significance for Charcot-Marie-Tooth disease type 2. Last evaluated: 2024-08-12. Review status: criteria provided, single submitter. Criteria: Invitae Variant Classification Sherloc (09022015). Collection method: clinical testing. Allele origin: germline.
Comment: This sequence change replaces aspartic acid, which is acidic and polar, with glycine, which is neutral and non-polar, at codon 192 of the LMNA protein (p.Asp192Gly). The frequency data for this variant in the population databases is considered unreliable, as metrics indicate poor data quality at this position in the gnomAD database. This missense change has been observed in individual(s) with dilated cardiomyopathy (PMID: 18502446). ClinVar contains an entry for this variant (Variation ID: 66911). Advanced modeling of protein sequence and biophysical properties (such as structural, functional, and spatial information, amino acid conservation, physicochemical variation, residue mobility, and thermodynamic stability) performed at Invitae indicates that this missense variant is expected to disrupt LMNA protein function with a positive predictive value of 95%. Experimental studies have shown that this missense change affects LMNA function (PMID: 16061563, 23029315, 26323789, 33142761, 34862408). This variant disrupts the p.Asp192 amino acid residue in LMNA. Other variant(s) that disrupt this residue have been observed in individuals with LMNA-related conditions (PMID: 16008174), which suggests that this may be a clinically significant amino acid residue. In summary, the available evidence is currently insufficient to determine the role of this variant in disease. Therefore, it has been classified as a Variant of Uncertain Significance.

Epithelial Biology;  Institute of Medical Biology, Singapore
No classification provided. Review status: no classification provided. Collection method: not provided. Allele origin: not provided. Not counted in ClinVar's aggregate classification.

Literature cited by the submitters: PubMed 18502446 (cited by Labcorp Genetics (formerly Invitae), Labcorp); PubMed 16061563 (cited by Labcorp Genetics (formerly Invitae), Labcorp); PubMed 23029315 (cited by Labcorp Genetics (formerly Invitae), Labcorp); PubMed 26323789 (cited by Labcorp Genetics (formerly Invitae), Labcorp); PubMed 33142761 (cited by Labcorp Genetics (formerly Invitae), Labcorp); PubMed 34862408 (cited by Labcorp Genetics (formerly Invitae), Labcorp); PubMed 16008174 (cited by Labcorp Genetics (formerly Invitae), Labcorp).

NM_170707.4(LMNA):c.575A>G (p.Asp192Gly)

Gene: LMNA (lamin A/C; plus strand). Cytogenetic location: 1q22.
Variant type: single nucleotide variant.
Coding change: c.575A>G on transcript NM_170707.4 (MANE Select); coding-DNA position 575, A replaced by G.
Protein change: p.Asp192Gly; replaces aspartic acid 192 with glycine.
Molecular consequence: missense variant.
Genome position (GRCh38, 1-based): chr1:156,134,464, A>G. VCF-style: chr1-156134464-A-G. GRCh37 (hg19) VCF-style: chr1-156104255-A-G.
Other names: c.239A>G, p.Asp80Gly (NM_001257374.3); c.332A>G, p.Asp111Gly (NM_001282624.2); c.575A>G, p.Asp192Gly (NM_001282625.2, NM_001282626.2, NM_005572.4 and 1 more transcripts); short protein forms D192G, D111G, D80G.
Identifiers: ClinVar variation 66911 (VCV000066911.10), dbSNP rs57045855, ClinGen allele CA018258.